The following is an entry in ClinVar:

NM_004859.4(CLTC):c.1396C>G (p.Leu466Val)

Gene: CLTC (clathrin heavy chain; plus strand). Cytogenetic location: 17q23.1.
Variant type: single nucleotide variant.
Coding change: c.1396C>G on transcript NM_004859.4 (MANE Select); coding-DNA position 1396, C replaced by G.
Protein change: p.Leu466Val; replaces leucine 466 with valine.
Molecular consequence: missense variant.
Genome position (GRCh38, 1-based): chr17:59,663,869, C>G. VCF-style: chr17-59663869-C-G. GRCh37 (hg19) VCF-style: chr17-57741230-C-G.
Other names: c.1408C>G, p.Leu470Val (NM_001288653.2); short protein forms L466V, L470V.
Identifiers: ClinVar variation 4535358 (VCV004535358.6).
Genomic context (GRCh38, chr17:59,663,869, plus strand): 5'-GATCACTAAACAATCTCTTTTTCCTTTGGACAGCTGGAATGTTCTGAAGAACTGGGTGAT[C>G]TTGTGAAATCTGTGGACCCTACATTGGCACTTAGTGTGTACCTAAGGGCTAACGTCCCAA-3'
Protein context (NP_004850.1, residues 456-476): KLECSEELGD[Leu466Val]VKSVDPTLAL

ClinVar aggregate classification (germline): Uncertain significance (1 of 4 stars; one submission).

Submission:

CeGaT Center for Human Genetics Tuebingen
Classification: Uncertain significance. Last evaluated: 2025-11-01. Review status: criteria provided, single submitter. Criteria: CeGaT Center For Human Genetics Tuebingen Variant Classification Criteria Version 2. Collection method: clinical testing. Allele origin: germline. Affected: yes. Observed: 1 variant allele.
Comment: CLTC: PM2, PP2